The following is an entry in ClinVar:

ClinVar aggregate classification (germline): Likely benign. Review status: criteria provided, multiple submitters, no conflicts (2 of 4 stars). 3 submissions from 3 submitters: Likely benign (3). Last evaluated 2024-04-27.

Conditions:
Fanconi anemia (FA). Also called: Fanconi's anemia. Identifiers: Orphanet 84, MedGen C0015625, MeSH D005199, MONDO:0019391.
Hereditary cancer-predisposing syndrome. Also called: Hereditary Cancer Syndrome; Neoplastic Syndromes, Hereditary; Tumor predisposition; Hereditary neoplastic syndrome. Identifiers: Orphanet 140162, MedGen C0027672, MeSH D009386, MONDO:0015356.

Allele frequency attached by ClinVar (database versions not stated): gnomAD exomes below 0.00001.
gnomAD v4.1: 1 of 1,614,128 alleles (0.000062%); highest among the groups gnomAD compares: Non-Finnish European, 0.000085%; no homozygotes.

Submissions (3):

Ambry Genetics
Classification: Likely benign for Hereditary cancer-predisposing syndrome. Last evaluated: 2024-04-27. Review status: criteria provided, single submitter. Criteria: Ambry Variant Classification Scheme 2023. Collection method: clinical testing. Allele origin: germline.

Labcorp Genetics (formerly Invitae), Labcorp
Classification: Likely benign for Fanconi anemia. Last evaluated: 2023-06-16. Review status: criteria provided, single submitter. Criteria: Invitae Variant Classification Sherloc (09022015). Collection method: clinical testing. Allele origin: germline.

GeneDx
Classification: Likely benign. Last evaluated: 2017-08-24. Review status: criteria provided, single submitter. Criteria: GeneDx Variant Classification (06012015). Collection method: clinical testing. Allele origin: germline. Affected: yes.
Comment: This variant is considered likely benign or benign based on one or more of the following criteria: it is a conservative change, it occurs at a poorly conserved position in the protein, it is predicted to be benign by multiple in silico algorithms, and/or has population frequency not consistent with disease.

NM_000136.3(FANCC):c.547C>T (p.Leu183=)

Genes: AOPEP (aminopeptidase O (putative); plus strand), FANCC (FA complementation group C; minus strand). Cytogenetic location: 9q22.32.
Variant type: single nucleotide variant.
Coding change: c.547C>T on transcript NM_000136.3 (MANE Select); coding-DNA position 547, C replaced by T.
Protein change: p.Leu183=; no amino-acid change (leucine 183 retained).
Molecular consequence: synonymous variant.
Genome position (GRCh38, 1-based): chr9:95,150,062, G>A on the plus strand (C>T on the coding strand, the complement: FANCC is on the minus strand). VCF-style: chr9-95150062-G-A. GRCh37 (hg19) VCF-style: chr9-97912344-G-A.
Other names: c.547C>T, p.Leu183= (NM_001243743.2, NM_001243744.2).
Identifiers: ClinVar variation 511706 (VCV000511706.5), dbSNP rs1554838616, ClinGen allele CA466103371.